The following is an entry in ClinVar:

NM_152703.5(SAMD9L):c.631G>C (p.Val211Leu)

Gene: SAMD9L (sterile alpha motif domain containing 9 like; minus strand). Cytogenetic location: 7q21.2.
Variant type: single nucleotide variant.
Coding change: c.631G>C on transcript NM_152703.5 (MANE Select); coding-DNA position 631, G replaced by C.
Protein change: p.Val211Leu; replaces valine 211 with leucine.
Molecular consequence: missense variant.
Genome position (GRCh38, 1-based): chr7:93,135,341, C>G on the plus strand (G>C on the coding strand, the complement: SAMD9L is on the minus strand). VCF-style: chr7-93135341-C-G. GRCh37 (hg19) VCF-style: chr7-92764654-C-G.
Other names: c.631G>C, p.Val211Leu (NM_001303496.3, NM_001303497.3, NM_001303498.3 and 5 more transcripts); short protein forms V211L.
Identifiers: ClinVar variation 4159464 (VCV004159464.1).
Genomic context (GRCh38, chr7:93,135,341, plus strand): 5'-AATTCATACAAGCTGATGCAAATCGGAAGACTTCATTGCTGAATTTCATCTTAATGTCCA[C>G]TTCCGTGGCTGTTTCTGTGTTTGTGAGAGCTTTGAACTCATGTATTGGATCAATGAGATT-3'
Protein context (NP_689916.2, residues 201-221): ALTNTETATE[Val211Leu]DIKMKFSNEV

ClinVar aggregate classification (germline): Uncertain significance (1 of 4 stars; one submission).

Conditions:
Inborn genetic diseases. Identifiers: MedGen C0950123, MeSH D030342.

Submission:

Ambry Genetics
Classification: Uncertain significance for Inborn genetic diseases. Last evaluated: 2025-09-07. Review status: criteria provided, single submitter. Criteria: Ambry Variant Classification Scheme 2023. Collection method: clinical testing. Allele origin: germline.
Comment: The p.V211L variant (also known as c.631G>C), located in coding exon 1 of the SAMD9L gene, results from a G to C substitution at nucleotide position 631. The valine at codon 211 is replaced by leucine, an amino acid with highly similar properties. This amino acid position is conserved. In addition, this alteration is predicted to be tolerated by in silico analysis. Based on the available evidence, the clinical significance of this variant remains unclear.